The following is an entry in ClinVar:

NM_000292.3(PHKA2):c.3377C>A (p.Ser1126Ter)

Genes: PHKA2-AS1 (PHKA2 antisense RNA 1; plus strand), PHKA2 (phosphorylase kinase regulatory subunit alpha 2; minus strand). Cytogenetic location: Xp22.13.
Variant type: single nucleotide variant.
Coding change: c.3377C>A on transcript NM_000292.3 (MANE Select); coding-DNA position 3377, C replaced by A.
Protein change: p.Ser1126Ter; replaces serine 1126 with a stop codon.
Molecular consequence: nonsense. On other transcripts: non-coding transcript variant (1).
Genome position (GRCh38, 1-based): chrX:18,894,364, G>T on the plus strand (C>A on the coding strand, the complement: PHKA2 is on the minus strand). VCF-style: chrX-18894364-G-T. GRCh37 (hg19) VCF-style: chrX-18912482-G-T.
Other names: short protein forms S1126*.
Identifiers: ClinVar variation 845671 (VCV000845671.9), dbSNP rs2047492649, ClinGen allele CA412375911.

ClinVar aggregate classification (germline): Pathogenic (1 of 4 stars; one submission).

Conditions:
Glycogen storage disease IXa1. Also called: GLYCOGEN STORAGE DISEASE VIII; GSD VIII; Glycogen storage disease 8; LIVER GLYCOGENOSIS, X-LINKED, TYPE I. Identifiers: Orphanet 264580, MedGen C3694531, MONDO:0010598, OMIM 306000.

Submission:

Labcorp Genetics (formerly Invitae), Labcorp
Classification: Pathogenic for Glycogen storage disease IXa1. Last evaluated: 2019-03-04. Review status: criteria provided, single submitter. Criteria: Invitae Variant Classification Sherloc (09022015). Collection method: clinical testing. Allele origin: germline.
Comment: For these reasons, this variant has been classified as Pathogenic. Loss-of-function variants in PHKA2 are known to be pathogenic (PMID: 7711737, 10330341). This variant has been observed in individuals affected with glycogen storage disease type IXa (PMID: 25266922, 28627441). This variant is not present in population databases (ExAC no frequency). This sequence change creates a premature translational stop signal (p.Ser1126*) in the PHKA2 gene. It is expected to result in an absent or disrupted protein product.

Literature cited by the submitters: PubMed 7711737; PubMed 10330341; PubMed 25266922; PubMed 28627441.